The following is an entry in ClinVar:

NM_002115.3(HK3):c.1800G>C (p.Gln600His)

Gene: HK3 (hexokinase 3; minus strand). Cytogenetic location: 5q35.2.
Variant type: single nucleotide variant.
Coding change: c.1800G>C on transcript NM_002115.3 (MANE Select); coding-DNA position 1800, G replaced by C.
Protein change: p.Gln600His; replaces glutamine 600 with histidine.
Molecular consequence: missense variant.
Genome position (GRCh38, 1-based): chr5:176,887,059, C>G on the plus strand (G>C on the coding strand, the complement: HK3 is on the minus strand). VCF-style: chr5-176887059-C-G. GRCh37 (hg19) VCF-style: chr5-176314060-C-G.
Other names: short protein forms Q600H.
Identifiers: ClinVar variation 4083612 (VCV004083612.8).

ClinVar aggregate classification (germline): Likely benign (1 of 4 stars; one submission).

gnomAD v4.1: 12,961 of 1,614,224 alleles (0.8%); highest among the groups gnomAD compares: Middle Eastern, 1.5%; 108 homozygotes.

Submission:

CeGaT Center for Human Genetics Tuebingen
Classification: Likely benign. Last evaluated: 2025-09-01. Review status: criteria provided, single submitter. Criteria: CeGaT Center For Human Genetics Tuebingen Variant Classification Criteria Version 2. Collection method: clinical testing. Allele origin: germline. Affected: yes. Observed: 2 variant alleles.
Comment: HK3: BS2